The following is an entry in ClinVar:

ClinVar aggregate classification (germline): Pathogenic (1 of 4 stars; one submission).

Allele frequency attached by ClinVar (database versions not stated): TOPMed below 0.00001; ExAC 0.00001; gnomAD exomes 0.00001.
gnomAD v4.1: 13 of 1,613,958 alleles (0.00081%); highest among the groups gnomAD compares: Non-Finnish European, 0.0011%; no homozygotes.

Submission:

Labcorp Genetics (formerly Invitae), Labcorp
Classification: Pathogenic. Last evaluated: 2023-11-19. Review status: criteria provided, single submitter. Criteria: Invitae Variant Classification Sherloc (09022015). Collection method: clinical testing. Allele origin: germline.
Comment: This sequence change creates a premature translational stop signal (p.Gln219*) in the BMPER gene. It is expected to result in an absent or disrupted protein product. Loss-of-function variants in BMPER are known to be pathogenic (PMID: 20869035, 21990102). This variant is present in population databases (rs780360088, gnomAD 0.002%). This variant has not been reported in the literature in individuals affected with BMPER-related conditions. For these reasons, this variant has been classified as Pathogenic.

Literature cited by the submitters: PubMed 20869035; PubMed 21990102.

NM_001365308.1(BMPER):c.655C>T (p.Gln219Ter)

Gene: BMPER (BMP binding endothelial regulator; plus strand). Cytogenetic location: 7p14.3.
Variant type: single nucleotide variant.
Coding change: c.655C>T on transcript NM_001365308.1 (MANE Select); coding-DNA position 655, C replaced by T.
Protein change: p.Gln219Ter; replaces glutamine 219 with a stop codon.
Molecular consequence: nonsense.
Genome position (GRCh38, 1-based): chr7:34,046,384, C>T. VCF-style: chr7-34046384-C-T. GRCh37 (hg19) VCF-style: chr7-34085996-C-T.
Other names: c.655C>T, p.Gln219Ter (NM_001410872.1, NM_133468.5); short protein forms Q219*.
Identifiers: ClinVar variation 2693069 (VCV002693069.3), dbSNP rs780360088, ClinGen allele CA4215152.